The following is an entry in ClinVar:

NM_006063.3(KLHL41):c.1624G>C (p.Gly542Arg)

Gene: KLHL41 (kelch like family member 41; plus strand). Cytogenetic location: 2q31.1.
Variant type: single nucleotide variant.
Coding change: c.1624G>C on transcript NM_006063.3 (MANE Select); coding-DNA position 1624, G replaced by C.
Protein change: p.Gly542Arg; replaces glycine 542 with arginine.
Molecular consequence: missense variant.
Genome position (GRCh38, 1-based): chr2:169,520,922, G>C. VCF-style: chr2-169520922-G-C. GRCh37 (hg19) VCF-style: chr2-170377432-G-C.
Other names: short protein forms G542R.
Identifiers: ClinVar variation 2063060 (VCV002063060.2), dbSNP rs370877619, ClinGen allele CA1956726.

ClinVar aggregate classification (germline): Uncertain significance (1 of 4 stars; one submission).

Conditions:
Nemaline myopathy 9 (NEM9). Identifiers: MedGen C3810384, MONDO:0014326, OMIM 615731.

Allele frequency attached by ClinVar (database versions not stated): gnomAD exomes below 0.00001; TOPMed below 0.00001; gnomAD 0.00001; ExAC 0.00002; ESP Exome Variant Server 0.00008.
gnomAD v4.1: 5 of 1,613,588 alleles (0.00031%); highest among the groups gnomAD compares: Non-Finnish European, 0.00042%; no homozygotes.

Submission:

Labcorp Genetics (formerly Invitae), Labcorp
Classification: Uncertain significance for Nemaline myopathy 9. Last evaluated: 2023-12-07. Review status: criteria provided, single submitter. Criteria: Invitae Variant Classification Sherloc (09022015). Collection method: clinical testing. Allele origin: germline.
Comment: This sequence change replaces glycine, which is neutral and non-polar, with arginine, which is basic and polar, at codon 542 of the KLHL41 protein (p.Gly542Arg). This variant is present in population databases (rs370877619, gnomAD 0.002%). This variant has not been reported in the literature in individuals affected with KLHL41-related conditions. ClinVar contains an entry for this variant (Variation ID: 2063060). Advanced modeling of protein sequence and biophysical properties (such as structural, functional, and spatial information, amino acid conservation, physicochemical variation, residue mobility, and thermodynamic stability) performed at Invitae indicates that this missense variant is not expected to disrupt KLHL41 protein function with a negative predictive value of 80%. In summary, the available evidence is currently insufficient to determine the role of this variant in disease. Therefore, it has been classified as a Variant of Uncertain Significance.